The following is an entry in ClinVar:

ClinVar aggregate classification (germline): Likely benign (1 of 4 stars; one submission).

Conditions:
LRRC45-related disorder. Also called: LRRC45-related condition.

gnomAD v4.1: 1 of 1,567,530 alleles (0.000064%); highest among the groups gnomAD compares: Non-Finnish European, 0.000086%; no homozygotes.

Submission:

PreventionGenetics, part of Exact Sciences
Classification: Likely benign for LRRC45-related condition. Last evaluated: 2026-08-12. Review status: criteria provided, single submitter. Criteria: ACMG Guidelines, 2015. Collection method: clinical testing. Allele origin: germline.
Comment: This variant is classified as likely benign based on ACMG/AMP sequence variant interpretation guidelines (Richards et al. 2015 PMID: 25741868, with internal and published modifications).

NM_144999.4(LRRC45):c.148C>T (p.Leu50=)

Gene: LRRC45 (leucine rich repeat containing 45; plus strand). Cytogenetic location: 17q25.3.
Variant type: single nucleotide variant.
Coding change: c.148C>T on transcript NM_144999.4 (MANE Select); coding-DNA position 148, C replaced by T.
Protein change: p.Leu50=; no amino-acid change (leucine 50 retained).
Molecular consequence: synonymous variant.
Genome position (GRCh38, 1-based): chr17:82,023,791, C>T. VCF-style: chr17-82023791-C-T. GRCh37 (hg19) VCF-style: chr17-79981667-C-T.
Identifiers: ClinVar variation 4991271 (VCV004991271.1).